The following is an entry in ClinVar:

ClinVar aggregate classification (germline): Uncertain significance (1 of 4 stars; one submission).

Conditions:
Muscular dystrophy-dystroglycanopathy (congenital with brain and eye anomalies), type A9. Also called: WALKER-WARBURG SYNDROME OR MUSCLE-EYE BRAIN DISEASE, DAG1-RELATED; Muscular dystrophy-dystroglycanopathy (congenital with brain and eye anomalies), type a, 9. Identifiers: Orphanet 370997, Orphanet 899, MedGen C4225291, MONDO:0014683, OMIM 616538.
Autosomal recessive limb-girdle muscular dystrophy type 2P. Also called: Limb-Girdle Muscular Dystrophy Type 9C; MUSCULAR DYSTROPHY, LIMB-GIRDLE, TYPE 2P; MUSCULAR DYSTROPHY-DYSTROGLYCANOPATHY, LIMB-GIRDLE, DAG1-RELATED. Identifiers: Orphanet 280333, MedGen C4511963, MONDO:0013440, OMIM 613818.

Submission:

Labcorp Genetics (formerly Invitae), Labcorp
Classification: Uncertain significance for Autosomal recessive limb-girdle muscular dystrophy type 2P; Muscular dystrophy-dystroglycanopathy (congenital with brain and eye anomalies), type A9. Last evaluated: 2022-01-28. Review status: criteria provided, single submitter. Criteria: Invitae Variant Classification Sherloc (09022015). Collection method: clinical testing. Allele origin: germline.
Comment: In summary, the available evidence is currently insufficient to determine the role of this variant in disease. Therefore, it has been classified as a Variant of Uncertain Significance. Algorithms developed to predict the effect of missense changes on protein structure and function are either unavailable or do not agree on the potential impact of this missense change (SIFT: "Tolerated"; PolyPhen-2: "Probably Damaging"; Align-GVGD: "Class C0"). This variant has not been reported in the literature in individuals affected with DAG1-related conditions. This variant is not present in population databases (gnomAD no frequency). This sequence change replaces glutamic acid, which is acidic and polar, with lysine, which is basic and polar, at codon 667 of the DAG1 protein (p.Glu667Lys).

NM_004393.6(DAG1):c.1999G>A (p.Glu667Lys)

Gene: DAG1 (dystroglycan 1; plus strand). Cytogenetic location: 3p21.31.
Variant type: single nucleotide variant.
Coding change: c.1999G>A on transcript NM_004393.6 (MANE Select); coding-DNA position 1999, G replaced by A.
Protein change: p.Glu667Lys; replaces glutamic acid 667 with lysine.
Molecular consequence: missense variant.
Genome position (GRCh38, 1-based): chr3:49,532,510, G>A. VCF-style: chr3-49532510-G-A. GRCh37 (hg19) VCF-style: chr3-49569943-G-A.
Other names: c.1999G>A, p.Glu667Lys (NM_001165928.4, NM_001177634.3, NM_001177635.3 and 9 more transcripts); short protein forms E667K.
Identifiers: ClinVar variation 1929520 (VCV001929520.3), dbSNP rs2472647401, ClinGen allele CA352796597.
Genomic context (GRCh38, chr3:49,532,510, plus strand): 5'-CTGCAGAATATCACCCGGGGCTCCATCGTGGTGGAATGGACCAACAACACACTGCCCTTG[G>A]AGCCCTGCCCCAAGGAGCAGATCGCTGGGCTGAGCCGCCGGATCGCTGAGGATGATGGAA-3'
Protein context (NP_004384.5, residues 657-677): VEWTNNTLPL[Glu667Lys]PCPKEQIAGL